The following is an entry in ClinVar:

NM_020921.4(NIN):c.848C>T (p.Ser283Leu)

Gene: NIN (ninein; minus strand). Cytogenetic location: 14q22.1.
Variant type: single nucleotide variant.
Coding change: c.848C>T on transcript NM_020921.4 (MANE Select); coding-DNA position 848, C replaced by T.
Protein change: p.Ser283Leu; replaces serine 283 with leucine.
Molecular consequence: missense variant.
Genome position (GRCh38, 1-based): chr14:50,772,434, G>A on the plus strand (C>T on the coding strand, the complement: NIN is on the minus strand). VCF-style: chr14-50772434-G-A. GRCh37 (hg19) VCF-style: chr14-51239152-G-A.
Other names: c.848C>T, p.Ser283Leu (NM_016350.5, NM_182944.3, NM_182946.2); short protein forms S283L.
Identifiers: ClinVar variation 1438204 (VCV001438204.6), dbSNP rs763293400, ClinGen allele CA7182341.
Genomic context (GRCh38, chr14:50,772,434, plus strand): 5'-CCCATCCCATCATCCAGGCAGGAGAAGACCCGAAAGCCAATGGTACTTGTCATTGCTGAT[G>A]AGGTTGTGGTACGTCGTCCACTCTCATCGAAAGACTGGAAGGAGGAAGAGACTTGAGTAA-3'
Protein context (NP_065972.4, residues 273-293): FDESGRRTTT[Ser283Leu]SAMTSTIGFR

ClinVar aggregate classification (germline): Uncertain significance (1 of 4 stars; one submission).

Allele frequency attached by ClinVar (database versions not stated): gnomAD 0.00001 and 0.00004; gnomAD exomes 0.00007 and 0.00014; ExAC 0.00012.
gnomAD v4.1: 104 of 1,614,088 alleles (0.0064%); highest among the groups gnomAD compares: South Asian, 0.076%; no homozygotes.

Submission:

Labcorp Genetics (formerly Invitae), Labcorp
Classification: Uncertain significance. Last evaluated: 2025-07-29. Review status: criteria provided, single submitter. Criteria: Invitae Variant Classification Sherloc (09022015). Collection method: clinical testing. Allele origin: germline.
Comment: This sequence change replaces serine, which is neutral and polar, with leucine, which is neutral and non-polar, at codon 283 of the NIN protein (p.Ser283Leu). This variant is present in population databases (rs763293400, gnomAD 0.08%), and has an allele count higher than expected for a pathogenic variant. This variant has not been reported in the literature in individuals affected with NIN-related conditions. ClinVar contains an entry for this variant (Variation ID: 1438204). An algorithm developed to predict the effect of missense changes on protein structure and function outputs the following: PolyPhen-2: "Benign". The leucine amino acid residue is found in multiple mammalian species, which suggests that this missense change does not adversely affect protein function. In summary, the available evidence is currently insufficient to determine the role of this variant in disease. Therefore, it has been classified as a Variant of Uncertain Significance.